The following is an entry in ClinVar:

ClinVar aggregate classification (germline): Uncertain significance. Review status: criteria provided, multiple submitters, no conflicts (2 of 4 stars). 2 submissions from 2 submitters: Uncertain significance (2). Last evaluated 2026-05-26.

Conditions:
Hereditary cancer-predisposing syndrome. Also called: Tumor predisposition; Neoplastic Syndromes, Hereditary; Hereditary Cancer Syndrome; Hereditary neoplastic syndrome. Identifiers: Orphanet 140162, MedGen C0027672, MeSH D009386, MONDO:0015356.
Familial cancer of breast. Also called: BREAST CANCER, FAMILIAL; Hereditary breast cancer; hereditary breast carcinoma. Identifiers: Orphanet 227535, MedGen C0346153, MONDO:0016419, OMIM 114480. Disease mechanism: loss of function.

Submissions (2):

Ambry Genetics
Classification: Uncertain significance for Hereditary cancer-predisposing syndrome. Last evaluated: 2026-05-26. Review status: criteria provided, single submitter. Criteria: Ambry Variant Classification Scheme 2023. Collection method: clinical testing. Allele origin: germline.
Comment: The p.D118N variant (also known as c.352G>A), located in coding exon 2 of the CHEK2 gene, results from a G to A substitution at nucleotide position 352. The aspartic acid at codon 118 is replaced by asparagine, an amino acid with highly similar properties. This amino acid position is highly conserved in available vertebrate species. In addition, this alteration is predicted to be tolerated by in silico analysis. Based on the available evidence, the clinical significance of this variant remains unclear.

Labcorp Genetics (formerly Invitae), Labcorp
Classification: Uncertain significance for Familial cancer of breast. Last evaluated: 2021-06-01. Review status: criteria provided, single submitter. Criteria: Invitae Variant Classification Sherloc (09022015). Collection method: clinical testing. Allele origin: germline.
Comment: In summary, the available evidence is currently insufficient to determine the role of this variant in disease. Therefore, it has been classified as a Variant of Uncertain Significance. Algorithms developed to predict the effect of missense changes on protein structure and function are either unavailable or do not agree on the potential impact of this missense change (SIFT: "Deleterious"; PolyPhen-2: "Possibly Damaging"; Align-GVGD: "Class C15"). This variant has not been reported in the literature in individuals with CHEK2-related conditions. This variant is not present in population databases (ExAC no frequency). This sequence change replaces aspartic acid with asparagine at codon 118 of the CHEK2 protein (p.Asp118Asn). The aspartic acid residue is highly conserved and there is a small physicochemical difference between aspartic acid and asparagine.

NM_007194.4(CHEK2):c.352G>A (p.Asp118Asn)

Gene: CHEK2 (checkpoint kinase 2; minus strand). Cytogenetic location: 22q12.1.
Variant type: single nucleotide variant.
Coding change: c.352G>A on transcript NM_007194.4 (MANE Select); coding-DNA position 352, G replaced by A.
Protein change: p.Asp118Asn; replaces aspartic acid 118 with asparagine.
Molecular consequence: missense variant.
Genome position (GRCh38, 1-based): chr22:28,725,335, C>T on the plus strand (G>A on the coding strand, the complement: CHEK2 is on the minus strand). VCF-style: chr22-28725335-C-T. GRCh37 (hg19) VCF-style: chr22-29121323-C-T.
Other names: c.481G>A, p.Asp161Asn (NM_001005735.3); c.-426G>A (NM_001257387.3); c.352G>A, p.Asp118Asn (NM_001349956.3, NM_145862.3); c.352G>A (NM_007194.3); short protein forms D118N, D161N.
Identifiers: ClinVar variation 1495260 (VCV001495260.10), dbSNP rs2053964532, ClinGen allele CA411108189.